The following is an entry in ClinVar:

NM_022089.4(ATP13A2):c.2635G>A (p.Gly879Ser)

Gene: ATP13A2 (ATPase cation transporting 13A2; minus strand). Cytogenetic location: 1p36.13.
Variant type: single nucleotide variant.
Coding change: c.2635G>A on transcript NM_022089.4 (MANE Select); coding-DNA position 2635, G replaced by A.
Protein change: p.Gly879Ser; replaces glycine 879 with serine.
Molecular consequence: missense variant.
Genome position (GRCh38, 1-based): chr1:16,988,449, C>T on the plus strand (G>A on the coding strand, the complement: ATP13A2 is on the minus strand). VCF-style: chr1-16988449-C-T. GRCh37 (hg19) VCF-style: chr1-17314944-C-T.
Other names: c.2620G>A, p.Gly874Ser (NM_001141973.3); c.2503G>A, p.Gly835Ser (NM_001141974.3); short protein forms G835S, G874S, G879S.
Identifiers: ClinVar variation 1412798 (VCV001412798.8), dbSNP rs771014262, ClinGen allele CA636748.

ClinVar aggregate classification (germline): Uncertain significance (1 of 4 stars; one submission).

Conditions:
Autosomal recessive spastic paraplegia type 78. Identifiers: Orphanet 513436, MedGen C5567893, MONDO:0014975, OMIM 617225.
Kufor-Rakeb syndrome (KRS). Also called: PARKINSON DISEASE 9, AUTOSOMAL RECESSIVE, JUVENILE-ONSET. Identifiers: Orphanet 306674, Orphanet 314632, MedGen C1847640, MONDO:0011706, OMIM 606693.

Allele frequency attached by ClinVar (database versions not stated): gnomAD 0.00001; gnomAD exomes 0.00001; TOPMed 0.00001; ExAC 0.00002.
gnomAD v4.1: 11 of 1,613,740 alleles (0.00068%); highest among the groups gnomAD compares: South Asian, 0.0055%; no homozygotes.

Submission:

Labcorp Genetics (formerly Invitae), Labcorp
Classification: Uncertain significance for Kufor-Rakeb syndrome; Autosomal recessive spastic paraplegia type 78. Last evaluated: 2022-08-12. Review status: criteria provided, single submitter. Criteria: Invitae Variant Classification Sherloc (09022015). Collection method: clinical testing. Allele origin: germline.
Comment: In summary, the available evidence is currently insufficient to determine the role of this variant in disease. Therefore, it has been classified as a Variant of Uncertain Significance. Advanced modeling of protein sequence and biophysical properties (such as structural, functional, and spatial information, amino acid conservation, physicochemical variation, residue mobility, and thermodynamic stability) performed at Invitae indicates that this missense variant is expected to disrupt ATP13A2 protein function. ClinVar contains an entry for this variant (Variation ID: 1412798). This variant has not been reported in the literature in individuals affected with ATP13A2-related conditions. The frequency data for this variant in the population databases is considered unreliable, as metrics indicate poor data quality at this position in the gnomAD database. This sequence change replaces glycine, which is neutral and non-polar, with serine, which is neutral and polar, at codon 879 of the ATP13A2 protein (p.Gly879Ser).